The following is an entry in ClinVar:

NM_000179.3(MSH6):c.914C>A (p.Thr305Asn)

Gene: MSH6 (mutS homolog 6; plus strand). Cytogenetic location: 2p16.3.
Variant type: single nucleotide variant.
Coding change: c.914C>A on transcript NM_000179.3 (MANE Select); coding-DNA position 914, C replaced by A.
Protein change: p.Thr305Asn; replaces threonine 305 with asparagine.
Molecular consequence: missense variant.
Genome position (GRCh38, 1-based): chr2:47,798,897, C>A. VCF-style: chr2-47798897-C-A. GRCh37 (hg19) VCF-style: chr2-48026036-C-A.
Other names: c.524C>A, p.Thr175Asn (NM_001281492.2); c.8C>A, p.Thr3Asn (NM_001281493.2, NM_001281494.2); short protein forms T3N, T305N, T175N.
Identifiers: ClinVar variation 1467927 (VCV001467927.7), dbSNP rs2104306041, ClinGen allele CA346740726.

ClinVar aggregate classification (germline): Uncertain significance. Review status: criteria provided, multiple submitters, no conflicts (2 of 4 stars). 2 submissions from 2 submitters: Uncertain significance (2). Last evaluated 2021-09-01.

Conditions:
Hereditary cancer-predisposing syndrome. Also called: Tumor predisposition; Hereditary Cancer Syndrome; Hereditary neoplastic syndrome; Neoplastic Syndromes, Hereditary. Identifiers: Orphanet 140162, MedGen C0027672, MeSH D009386, MONDO:0015356.
Hereditary nonpolyposis colorectal neoplasms. Identifiers: MedGen C0009405, MeSH D003123.

gnomAD v4.1: 1 of 1,614,152 alleles (0.000062%); highest among the groups gnomAD compares: South Asian, 0.0011%; no homozygotes.

Submissions (2):

Labcorp Genetics (formerly Invitae), Labcorp
Classification: Uncertain significance for Hereditary nonpolyposis colorectal neoplasms. Last evaluated: 2021-09-01. Review status: criteria provided, single submitter. Criteria: Invitae Variant Classification Sherloc (09022015). Collection method: clinical testing. Allele origin: germline.
Comment: This sequence change replaces threonine with asparagine at codon 305 of the MSH6 protein (p.Thr305Asn). The threonine residue is weakly conserved and there is a small physicochemical difference between threonine and asparagine. This variant is not present in population databases (ExAC no frequency). This variant has not been reported in the literature in individuals affected with MSH6-related conditions. Advanced modeling of protein sequence and biophysical properties (such as structural, functional, and spatial information, amino acid conservation, physicochemical variation, residue mobility, and thermodynamic stability) performed at Invitae indicates that this missense variant is not expected to disrupt MSH6 protein function. In summary, the available evidence is currently insufficient to determine the role of this variant in disease. Therefore, it has been classified as a Variant of Uncertain Significance.

Ambry Genetics
Classification: Uncertain significance for Hereditary cancer-predisposing syndrome. Last evaluated: 2019-07-10. Review status: criteria provided, single submitter. Criteria: Ambry Variant Classification Scheme 2023. Collection method: clinical testing. Allele origin: germline.
Comment: The p.T305N variant (also known as c.914C>A), located in coding exon 4 of the MSH6 gene, results from a C to A substitution at nucleotide position 914. The threonine at codon 305 is replaced by asparagine, an amino acid with similar properties. This amino acid position is not well conserved in available vertebrate species. In addition, this alteration is predicted to be tolerated by in silico analysis. Since supporting evidence is limited at this time, the clinical significance of this alteration remains unclear.